The following is an entry in ClinVar:

NM_001099403.2(PRDM8):c.636G>C (p.Gln212His)

Gene: PRDM8 (PR/SET domain 8; plus strand). Cytogenetic location: 4q21.21.
Variant type: single nucleotide variant.
Coding change: c.636G>C on transcript NM_001099403.2 (MANE Select); coding-DNA position 636, G replaced by C.
Protein change: p.Gln212His; replaces glutamine 212 with histidine.
Molecular consequence: missense variant.
Genome position (GRCh38, 1-based): chr4:80,202,098, G>C. VCF-style: chr4-80202098-G-C. GRCh37 (hg19) VCF-style: chr4-81123252-G-C.
Other names: c.636G>C, p.Gln212His (NM_020226.4); short protein forms Q212H.
Identifiers: ClinVar variation 1471721 (VCV001471721.8), dbSNP rs767033532, ClinGen allele CA2982293.
Genomic context (GRCh38, chr4:80,202,098, plus strand): 5'-ACAAGGCGGCGGCGTGGGCACCAAGGACCACGGGGGCGGCGGCGGCGGTGGCAAAGACCA[G>C]CAGCAGCAGCAGCAGGAGGCACCTTTAGGCCCGGGTCCCAAGTTTTGCAAAGCCGGCCCC-3'
Protein context (NP_001092873.1, residues 202-222): HGGGGGGGKD[Gln212His]QQQQQEAPLG

ClinVar aggregate classification (germline): Uncertain significance (1 of 4 stars; one submission).

Conditions:
Early-onset Lafora body disease. Also called: Epilepsy, progressive myoclonic, 10. Identifiers: Orphanet 324290, MedGen C4225258, MONDO:0014717, OMIM 616640.

Allele frequency attached by ClinVar (database versions not stated): TOPMed below 0.00001; ExAC 0.00001; gnomAD exomes 0.00001.

Submission:

Labcorp Genetics (formerly Invitae), Labcorp
Classification: Uncertain significance for Early-onset Lafora body disease. Last evaluated: 2021-01-12. Review status: criteria provided, single submitter. Criteria: Invitae Variant Classification Sherloc (09022015). Collection method: clinical testing. Allele origin: germline.
Comment: In summary, the available evidence is currently insufficient to determine the role of this variant in disease. Therefore, it has been classified as a Variant of Uncertain Significance. Algorithms developed to predict the effect of missense changes on protein structure and function are either unavailable or do not agree on the potential impact of this missense change (SIFT: "Deleterious"; PolyPhen-2: "Benign"; Align-GVGD: "Class C0"). This variant has not been reported in the literature in individuals with PRDM8-related conditions. The frequency data for this variant in the population databases is considered unreliable, as metrics indicate poor data quality at this position in the ExAC database. This sequence change replaces glutamine with histidine at codon 212 of the PRDM8 protein (p.Gln212His). The glutamine residue is weakly conserved and there is a small physicochemical difference between glutamine and histidine.